The following is an entry in ClinVar:

NM_005876.5(SPEG):c.8502G>C (p.Ser2834=)

Genes: ASIC4-AS1 (ASIC4 antisense RNA 1; minus strand), SPEG (striated muscle enriched protein kinase; plus strand). Cytogenetic location: 2q35.
Variant type: single nucleotide variant.
Coding change: c.8502G>C on transcript NM_005876.5 (MANE Select); coding-DNA position 8502, G replaced by C.
Protein change: p.Ser2834=; no amino-acid change (serine 2834 retained).
Molecular consequence: synonymous variant.
Genome position (GRCh38, 1-based): chr2:219,489,520, G>C. VCF-style: chr2-219489520-G-C. GRCh37 (hg19) VCF-style: chr2-220354242-G-C.
Identifiers: ClinVar variation 737557 (VCV000737557.9), dbSNP rs148685205, ClinGen allele CA2127508.

ClinVar aggregate classification (germline): Likely benign. Review status: criteria provided, multiple submitters, no conflicts (2 of 4 stars). 2 submissions from 2 submitters: Likely benign (2). Last evaluated 2026-10-01.

gnomAD v4.1: 181 of 1,605,300 alleles (0.011%); highest among the groups gnomAD compares: Non-Finnish European, 0.015%; no homozygotes.

Submissions (2):

CeGaT Center for Human Genetics Tuebingen
Classification: Likely benign. Last evaluated: 2026-10-01. Review status: criteria provided, single submitter. Criteria: CeGaT Center For Human Genetics Tuebingen Variant Classification Criteria Version 2. Collection method: clinical testing. Allele origin: germline. Affected: yes. Observed: 1 variant allele.
Comment: SPEG: BP4, BP7

Labcorp Genetics (formerly Invitae), Labcorp
Classification: Likely benign. Last evaluated: 2025-09-16. Review status: criteria provided, single submitter. Criteria: Invitae Variant Classification Sherloc (09022015). Collection method: clinical testing. Allele origin: germline.